The following is an entry in ClinVar:

NM_001365536.1(SCN9A):c.3452C>A (p.Pro1151Gln)

Genes: SCN9A (sodium voltage-gated channel alpha subunit 9; minus strand), SCN1A-AS1 (SCN1A and SCN9A antisense RNA 1; plus strand). Cytogenetic location: 2q24.3.
Variant type: single nucleotide variant.
Coding change: c.3452C>A on transcript NM_001365536.1 (MANE Select); coding-DNA position 3452, C replaced by A.
Protein change: p.Pro1151Gln; replaces proline 1151 with glutamine.
Molecular consequence: missense variant. On other transcripts: non-coding transcript variant (1).
Genome position (GRCh38, 1-based): chr2:166,251,785, G>T on the plus strand (C>A on the coding strand, the complement: SCN9A is on the minus strand). VCF-style: chr2-166251785-G-T. GRCh37 (hg19) VCF-style: chr2-167108295-G-T.
Other names: c.3419C>A, p.Pro1140Gln (NM_002977.4); short protein forms P1140Q, P1151Q.
Identifiers: ClinVar variation 565787 (VCV000565787.10), dbSNP rs375969631, ClinGen allele CA1944057.

ClinVar aggregate classification (germline): Uncertain significance (1 of 4 stars; one submission).

Conditions:
Neuropathy, hereditary sensory and autonomic, type 2A (HSAN2A). Also called: WNK1-Related HSAN2 (HSAN2A); MORVAN DISEASE; NEUROPATHY, CONGENITAL SENSORY; NEUROPATHY, HEREDITARY SENSORY RADICULAR, AUTOSOMAL RECESSIVE; NEUROPATHY, HEREDITARY SENSORY, TYPE IIA; NEUROPATHY, PROGRESSIVE SENSORY, OF CHILDREN. Identifiers: Orphanet 970, MedGen C2752089, MONDO:0024309, OMIM 201300.
Generalized epilepsy with febrile seizures plus, type 7 (GEFSP7). Also called: GEFS+, TYPE 7. Identifiers: Orphanet 36387, MedGen C2751778, MONDO:0013470, OMIM 613863.

Allele frequency attached by ClinVar (database versions not stated): gnomAD exomes below 0.00001; TOPMed below 0.00001; ExAC 0.00001; gnomAD 0.00001; ESP Exome Variant Server 0.00008.

Submission:

Labcorp Genetics (formerly Invitae), Labcorp
Classification: Uncertain significance for Neuropathy, hereditary sensory and autonomic, type 2A; Generalized epilepsy with febrile seizures plus, type 7. Last evaluated: 2025-12-08. Review status: criteria provided, single submitter. Criteria: Invitae Variant Classification Sherloc (09022015). Collection method: clinical testing. Allele origin: germline.
Comment: This sequence change replaces proline, which is neutral and non-polar, with glutamine, which is neutral and polar, at codon 1140 of the SCN9A protein (p.Pro1140Gln). This variant is present in population databases (rs375969631, gnomAD 0.007%). This variant has not been reported in the literature in individuals affected with SCN9A-related conditions. ClinVar contains an entry for this variant (Variation ID: 565787). Invitae Evidence Modeling of protein sequence and biophysical properties (such as structural, functional, and spatial information, amino acid conservation, physicochemical variation, residue mobility, and thermodynamic stability) has been performed for this missense variant. However, the output from this modeling did not meet the statistical confidence thresholds required to predict the impact of this variant on SCN9A protein function. In summary, the available evidence is currently insufficient to determine the role of this variant in disease. Therefore, it has been classified as a Variant of Uncertain Significance.